The following is an entry in ClinVar:

NM_014271.4(IL1RAPL1):c.1670dup (p.Tyr557Ter)

Gene: IL1RAPL1 (interleukin 1 receptor accessory protein like 1; plus strand). Cytogenetic location: Xp21.2.
Variant type: Duplication.
Coding change: c.1670dup on transcript NM_014271.4 (MANE Select); coding-DNA position 1670, one base duplicated (A; older notation c.1670dupA).
Protein change: p.Tyr557Ter; replaces tyrosine 557 with a stop codon.
Molecular consequence: nonsense.
Genome position (GRCh38, 1-based): chrX:29,955,399, A duplicated. VCF-style (leftmost placement, unchanged base first): chrX-29955398-T-TA. GRCh37 (hg19) VCF-style: chrX-29973515-T-TA.
Other names: short protein forms Y557*.
Identifiers: ClinVar variation 4533299 (VCV004533299.1).
Genomic context (GRCh38, chrX:29,955,398, plus strand): 5'-ATTAAATGGCATGGACCAAAATGCAACAAGTTGAACTCCAAGTTCTGGAAACGTTTACAG[T>TA]ATGAAATGCCTTTTAAGAGGATAGAACCCATTACACATGAGCAGGCTTTAGATGTCAGTG-3'

ClinVar aggregate classification (germline): Likely pathogenic (1 of 4 stars; one submission).

Conditions:
Intellectual developmental disorder, X-linked 21. Also called: MENTAL RETARDATION, X-LINKED 34; Mental retardation, X-linked 21/34; Intellectual disability, X-linked 21. Identifiers: Orphanet 777, MedGen C5551510, MONDO:0010256, OMIM 300143.

Submission:

Institute of Human Genetics, University of Leipzig Medical Center
Classification: Likely pathogenic for Intellectual developmental disorder, X-linked 21. Last evaluated: 2025-11-04. Review status: criteria provided, single submitter. Criteria: ACMG Guidelines, 2015. Collection method: clinical testing. Allele origin: unknown. Inheritance: X-linked recessive inheritance. Affected: yes.
Comment: Criteria applied: PVS1_STR,PM2